The following is an entry in ClinVar:

ClinVar aggregate classification (germline): Pathogenic/Likely pathogenic. Review status: criteria provided, multiple submitters, no conflicts (2 of 4 stars). 2 submissions from 2 submitters: Pathogenic (1); Likely pathogenic (1). Last evaluated 2023-07-19.

Conditions:
UV-sensitive syndrome 2 (UVSS2). Identifiers: Orphanet 178338, MedGen C3553298, MONDO:0013829, OMIM 614621.
Cockayne syndrome type 1. Also called: Cockayne syndrome type I; Cockayne syndrome classical; Cockayne syndrome classic form. Identifiers: Orphanet 191, Orphanet 90321, MedGen C0751039, MONDO:0019569, OMIM 216400.

Allele frequency attached by ClinVar (database versions not stated): gnomAD 0.00001.

Submissions (2):

Labcorp Genetics (formerly Invitae), Labcorp
Classification: Pathogenic. Last evaluated: 2023-07-19. Review status: criteria provided, single submitter. Criteria: Invitae Variant Classification Sherloc (09022015). Collection method: clinical testing. Allele origin: germline.
Comment: For these reasons, this variant has been classified as Pathogenic. Algorithms developed to predict the effect of sequence changes on RNA splicing suggest that this variant may disrupt the consensus splice site. ClinVar contains an entry for this variant (Variation ID: 1439531). This variant has not been reported in the literature in individuals affected with ERCC8-related conditions. This variant is present in population databases (no rsID available, gnomAD 0.06%). This sequence change creates a premature translational stop signal (p.Lys286*) in the ERCC8 gene. It is expected to result in an absent or disrupted protein product. Loss-of-function variants in ERCC8 are known to be pathogenic (PMID: 29572252).

Juno Genomics, Hangzhou Juno Genomics, Inc
Classification: Likely pathogenic for Cockayne syndrome type 1; UV-sensitive syndrome 2. Review status: criteria provided, single submitter. Criteria: ACMG Guidelines, 2015. Collection method: clinical testing. Allele origin: germline.
Comment: Null variant in a gene where loss of function (LOF) is a known mechanism of disease.;Absent from controls (or at extremely low frequency if recessive) in Genome Aggregation Database.

Literature cited by the submitters: PubMed 29572252 (cited by Labcorp Genetics (formerly Invitae), Labcorp).

NM_000082.4(ERCC8):c.856A>T (p.Lys286Ter)

Gene: ERCC8 (ERCC excision repair 8, CSA ubiquitin ligase complex subunit; minus strand). Cytogenetic location: 5q12.1.
Variant type: single nucleotide variant.
Coding change: c.856A>T on transcript NM_000082.4 (MANE Select); coding-DNA position 856, A replaced by T.
Protein change: p.Lys286Ter; replaces lysine 286 with a stop codon.
Molecular consequence: nonsense.
Genome position (GRCh38, 1-based): chr5:60,891,074, T>A on the plus strand (A>T on the coding strand, the complement: ERCC8 is on the minus strand). VCF-style: chr5-60891074-T-A. GRCh37 (hg19) VCF-style: chr5-60186901-T-A.
Other names: c.682A>T, p.Lys228Ter (NM_001007233.3); c.397A>T, p.Lys133Ter (NM_001290285.2); short protein forms K286*, K133*, K228*.
Identifiers: ClinVar variation 1439531 (VCV001439531.8), dbSNP rs1371445915, ClinGen allele CA359823595.